The following is an entry in ClinVar:

ClinVar aggregate classification (germline): Uncertain significance. Review status: criteria provided, multiple submitters, no conflicts (2 of 4 stars). 2 submissions from 2 submitters: Uncertain significance (2). Last evaluated 2025-08-04.

Conditions:
Hereditary cancer-predisposing syndrome. Also called: Tumor predisposition; Hereditary Cancer Syndrome; Hereditary neoplastic syndrome; Neoplastic Syndromes, Hereditary. Identifiers: Orphanet 140162, MedGen C0027672, MeSH D009386, MONDO:0015356.
Tuberous sclerosis 2 (TSC2). Identifiers: Orphanet 805, MedGen C1860707, MONDO:0013199, OMIM 613254.

gnomAD v4.1: 2 of 1,612,748 alleles (0.00012%); highest among the groups gnomAD compares: South Asian, 0.0022%; no homozygotes.

Submissions (2):

Ambry Genetics
Classification: Uncertain significance for Hereditary cancer-predisposing syndrome. Last evaluated: 2025-08-04. Review status: criteria provided, single submitter. Criteria: Ambry Variant Classification Scheme 2023. Collection method: clinical testing. Allele origin: germline.
Comment: The p.Q1536H variant (also known as c.4608G>C), located in coding exon 35 of the TSC2 gene, results from a G to C substitution at nucleotide position 4608. The glutamine at codon 1536 is replaced by histidine, an amino acid with highly similar properties. This amino acid position is conserved. In addition, this alteration is predicted to be deleterious by in silico analysis. Based on the available evidence, the clinical significance of this variant remains unclear.

Labcorp Genetics (formerly Invitae), Labcorp
Classification: Uncertain significance for Tuberous sclerosis 2. Last evaluated: 2025-01-21. Review status: criteria provided, single submitter. Criteria: Invitae Variant Classification Sherloc (09022015). Collection method: clinical testing. Allele origin: germline.
Comment: This sequence change replaces glutamine, which is neutral and polar, with histidine, which is basic and polar, at codon 1536 of the TSC2 protein (p.Gln1536His). This variant is present in population databases (rs749875773, gnomAD 0.003%). This variant has not been reported in the literature in individuals affected with TSC2-related conditions. Invitae Evidence Modeling of protein sequence and biophysical properties (such as structural, functional, and spatial information, amino acid conservation, physicochemical variation, residue mobility, and thermodynamic stability) indicates that this missense variant is not expected to disrupt TSC2 protein function with a negative predictive value of 95%. In summary, the available evidence is currently insufficient to determine the role of this variant in disease. Therefore, it has been classified as a Variant of Uncertain Significance.

NM_000548.5(TSC2):c.4608G>C (p.Gln1536His)

Gene: TSC2 (TSC complex subunit 2; plus strand). Cytogenetic location: 16p13.3.
Variant type: single nucleotide variant.
Coding change: c.4608G>C on transcript NM_000548.5 (MANE Select); coding-DNA position 4608, G replaced by C.
Protein change: p.Gln1536His; replaces glutamine 1536 with histidine.
Molecular consequence: missense variant. On other transcripts: non-coding transcript variant (5).
Genome position (GRCh38, 1-based): chr16:2,085,268, G>C. VCF-style: chr16-2085268-G-C. GRCh37 (hg19) VCF-style: chr16-2135269-G-C.
Other names: c.4407G>C, p.Gln1469His (NM_001077183.3); c.4539G>C, p.Gln1513His (NM_001114382.3); c.4299G>C, p.Gln1433His (NM_001318827.2); c.4263G>C, p.Gln1421His (NM_001318829.2); c.3876G>C, p.Gln1292His (NM_001318831.2); c.4440G>C, p.Gln1480His (NM_001318832.2); c.4410G>C, p.Gln1470His (NM_001363528.2); c.4476G>C, p.Gln1492His (NM_001370404.1); and 26 more; short protein forms Q1022H, Q1313H, Q1420H, Q1433H, Q1464H, Q1480H, Q1045H, Q1463H.
Identifiers: ClinVar variation 3730259 (VCV003730259.3).